The following is an entry in ClinVar:

NM_001018077.1(NR3C1):c.-620G>A

Gene: NR3C1 (nuclear receptor subfamily 3 group C member 1; minus strand). Cytogenetic location: 5q31.3.
Variant type: single nucleotide variant.
Coding change: c.-620G>A on transcript NM_001018077.1; 620 bases upstream of the start codon, G replaced by A.
Molecular consequence: 5 prime UTR variant. On other transcripts: intron variant (2).
Genome position (GRCh38, 1-based): chr5:143,435,138, C>T on the plus strand (G>A on the coding strand, the complement: NR3C1 is on the minus strand). VCF-style: chr5-143435138-C-T. GRCh37 (hg19) VCF-style: chr5-142814703-C-T.
Other names: c.-14+163G>A (NM_001018075.1); c.-14+66G>A (NM_001018074.1).
Identifiers: ClinVar variation 905080 (VCV000905080.6), dbSNP rs61757433, ClinGen allele CA129268591.

ClinVar aggregate classification (germline): Likely benign (1 of 4 stars; one submission).

Conditions:
Glucocorticoid resistance. Also called: Glucocorticoid resistance, generalized; Gccr deficiency; Glucocorticoid receptor deficiency; Cortisol resistance from glucocorticoid receptor defect; Gcr deficiency. Identifiers: Orphanet 786, MedGen C1841972, MONDO:0014421, OMIM 615962.

Allele frequency attached by ClinVar (database versions not stated): gnomAD 0.00291 and 0.00264; TOPMed 0.00303; gnomAD exomes 0.00019; 1000 Genomes Project 30x 0.00453; 1000 Genomes Project 0.00479.
gnomAD v4.1: 614 of 985,348 alleles (0.062%); highest among the groups gnomAD compares: East Asian, 1.9%; 5 homozygotes.

Submission:

Illumina Laboratory Services, Illumina
Classification: Likely benign for Glucocorticoid resistance. Last evaluated: 2018-01-13. Review status: criteria provided, single submitter. Criteria: ICSL Variant Classification Criteria 13 December 2019. Collection method: clinical testing. Allele origin: germline.
Comment: This variant was observed in the ICSL laboratory as part of a predisposition screen in an ostensibly healthy population. It had not been previously curated by ICSL or reported in the Human Gene Mutation Database (HGMD: prior to June 1st, 2018), and was therefore a candidate for classification through an automated scoring system. Utilizing variant allele frequency, disease prevalence and penetrance estimates, and inheritance mode, an automated score was calculated to assess if this variant is too frequent to cause the disease. Based on the score and internal cut-off values, a variant classified as likely benign is not then subjected to further curation. The score for this variant resulted in a classification of likely benign for this disease.